The following is an entry in ClinVar:

NM_001035.3(RYR2):c.6091T>A (p.Ser2031Thr)

Gene: RYR2 (ryanodine receptor 2; plus strand). Cytogenetic location: 1q43.
Variant type: single nucleotide variant.
Coding change: c.6091T>A on transcript NM_001035.3 (MANE Select); coding-DNA position 6091, T replaced by A.
Protein change: p.Ser2031Thr; replaces serine 2031 with threonine.
Molecular consequence: missense variant.
Genome position (GRCh38, 1-based): chr1:237,625,729, T>A. VCF-style: chr1-237625729-T-A. GRCh37 (hg19) VCF-style: chr1-237789029-T-A.
Other names: short protein forms S2031T.
Identifiers: ClinVar variation 2784362 (VCV002784362.3), dbSNP rs2546873621, ClinGen allele CA345408935.

ClinVar aggregate classification (germline): Uncertain significance (1 of 4 stars; one submission).

Conditions:
Catecholaminergic polymorphic ventricular tachycardia 1. Also called: VENTRICULAR TACHYCARDIA, STRESS-INDUCED POLYMORPHIC 1; VENTRICULAR TACHYCARDIA, CATECHOLAMINERGIC POLYMORPHIC, 1, WITH OR WITHOUT ATRIAL DYSFUNCTION AND/OR DILATED CARDIOMYOPATHY; RYR2-Related Catecholaminergic Polymorphic Ventricular Tachycardia. Identifiers: Orphanet 3286, MedGen C1631597, MONDO:0011484, OMIM 604772.

Submission:

Labcorp Genetics (formerly Invitae), Labcorp
Classification: Uncertain significance for Catecholaminergic polymorphic ventricular tachycardia 1. Last evaluated: 2023-11-18. Review status: criteria provided, single submitter. Criteria: Invitae Variant Classification Sherloc (09022015). Collection method: clinical testing. Allele origin: germline.
Comment: This sequence change replaces serine, which is neutral and polar, with threonine, which is neutral and polar, at codon 2031 of the RYR2 protein (p.Ser2031Thr). This variant is not present in population databases (gnomAD no frequency). This variant has not been reported in the literature in individuals affected with RYR2-related conditions. Advanced modeling of protein sequence and biophysical properties (such as structural, functional, and spatial information, amino acid conservation, physicochemical variation, residue mobility, and thermodynamic stability) performed at Invitae indicates that this missense variant is not expected to disrupt RYR2 protein function with a negative predictive value of 95%. In summary, the available evidence is currently insufficient to determine the role of this variant in disease. Therefore, it has been classified as a Variant of Uncertain Significance.